The following is an entry in ClinVar:

NM_015151.4(DIP2A):c.1471C>G (p.Leu491Val)

Gene: DIP2A (DIP2 acetate--CoA ligase A; plus strand). Cytogenetic location: 21q22.3.
Variant type: single nucleotide variant.
Coding change: c.1471C>G on transcript NM_015151.4 (MANE Select); coding-DNA position 1471, C replaced by G.
Protein change: p.Leu491Val; replaces leucine 491 with valine.
Molecular consequence: missense variant.
Genome position (GRCh38, 1-based): chr21:46,534,045, C>G. VCF-style: chr21-46534045-C-G. GRCh37 (hg19) VCF-style: chr21-47953958-C-G.
Other names: c.1342C>G, p.Leu448Val (NM_001146115.2); c.1459C>G, p.Leu487Val (NM_001146116.2); c.1474C>G, p.Leu492Val (NM_001353942.2); c.1471C>G, p.Leu491Val (NM_001353943.2, NM_001410751.1, NM_206889.3 and 2 more transcripts); c.1222C>G, p.Leu408Val (NM_001353944.2); short protein forms L492V, L491V, L408V, L448V, L487V.
Identifiers: ClinVar variation 5001316 (VCV005001316.1).

ClinVar aggregate classification (germline): Uncertain significance (1 of 4 stars; one submission).

Conditions:
DIP2A-related disorder. Also called: DIP2A-related condition.

Submission:

PreventionGenetics, part of Exact Sciences
Classification: Uncertain significance for DIP2A-related condition. Last evaluated: 2025-07-21. Review status: criteria provided, single submitter. Criteria: ACMG Guidelines, 2015. Collection method: clinical testing. Allele origin: germline.
Comment: The DIP2A c.1471C>G variant is predicted to result in the amino acid substitution p.Leu491Val. To our knowledge, this variant has not been reported in the literature or in a large population database (gnomAD), indicating this variant is rare. At this time, the clinical significance of this variant is uncertain due to the absence of conclusive functional and genetic evidence.